The following is an entry in ClinVar:

ClinVar aggregate classification (germline): Pathogenic. Review status: criteria provided, multiple submitters, no conflicts (2 of 4 stars). 3 submissions from 3 submitters: Pathogenic (2). 1 of the submissions does not count toward it. Last evaluated 2024-05-10.

Conditions:
H syndrome. Also called: FAISALABAD HISTIOCYTOSIS; HISTIOCYTOSIS AND LYMPHADENOPATHY WITH OR WITHOUT CUTANEOUS, CARDIAC, AND/OR ENDOCRINE FEATURES, JOINT CONTRACTURES, AND/OR DEAFNESS; HYPERPIGMENTATION, CUTANEOUS, WITH HYPERTRICHOSIS, HEPATOSPLENOMEGALY, HEART ANOMALIES, AND HYPOGONADISM WITH OR WITHOUT HEARING LOSS; PIGMENTED HYPERTRICHOSIS WITH INSULIN-DEPENDENT DIABETES MELLITUS; ROSAI-DORFMAN DISEASE, FAMILIAL; SINUS HISTIOCYTOSIS AND MASSIVE LYMPHADENOPATHY. Identifiers: Orphanet 168569, MedGen C1864445, MONDO:0011273, OMIM 602782.

Submissions (3):

Labcorp Genetics (formerly Invitae), Labcorp
Classification: Pathogenic for H syndrome. Last evaluated: 2024-05-10. Review status: criteria provided, single submitter. Criteria: Invitae Variant Classification Sherloc (09022015). Collection method: clinical testing. Allele origin: germline.
Comment: This sequence change creates a premature translational stop signal (p.Leu349Serfs*56) in the SLC29A3 gene. While this is not anticipated to result in nonsense mediated decay, it is expected to disrupt the last 127 amino acid(s) of the SLC29A3 protein. This variant is not present in population databases (gnomAD no frequency). This premature translational stop signal has been observed in individuals with H syndrome (PMID: 18940313, 21178579). ClinVar contains an entry for this variant (Variation ID: 566). Algorithms developed to predict the effect of variants on gene product structure and function are not available or were not evaluated for this variant. Experimental studies have shown that this premature translational stop signal affects SLC29A3 function (PMID: 20595384, 22238637). This variant disrupts a region of the SLC29A3 protein in which other variant(s) (p.Glu444*) have been determined to be pathogenic (PMID: 17461801, 19336477, 20595384). This suggests that this is a clinically significant region of the protein, and that variants that disrupt it are likely to be disease-causing. For these reasons, this variant has been classified as Pathogenic.

CeGaT Center for Human Genetics Tuebingen
Classification: Pathogenic. Last evaluated: 2019-12-01. Review status: criteria provided, single submitter. Criteria: CeGaT Center For Human Genetics Tuebingen Variant Classification Criteria Version 2. Collection method: clinical testing. Allele origin: germline. Affected: yes. Observed: 1 variant allele.

OMIM
Classification: Pathogenic for HISTIOCYTOSIS-LYMPHADENOPATHY PLUS SYNDROME. Last evaluated: 2011-02-01. Review status: no assertion criteria provided. Collection method: literature only. Allele origin: germline. Not counted in ClinVar's aggregate classification.

Literature cited by the submitters: PubMed 18940313 (cited by Labcorp Genetics (formerly Invitae), Labcorp and OMIM); PubMed 21178579 (cited by Labcorp Genetics (formerly Invitae), Labcorp and OMIM); PubMed 20595384 (cited by Labcorp Genetics (formerly Invitae), Labcorp and OMIM); PubMed 22238637 (cited by Labcorp Genetics (formerly Invitae), Labcorp); PubMed 17461801 (cited by Labcorp Genetics (formerly Invitae), Labcorp); PubMed 19336477 (cited by Labcorp Genetics (formerly Invitae), Labcorp).

NM_018344.6(SLC29A3):c.1045del (p.Leu349fs)

Gene: SLC29A3 (solute carrier family 29 member 3; plus strand). Cytogenetic location: 10q22.1.
Variant type: Deletion.
Coding change: c.1045del on transcript NM_018344.6 (MANE Select); coding-DNA position 1045, one base deleted (C; older notation c.1045delC).
Protein change: p.Leu349fs; shifts the reading frame from leucine 349.
Molecular consequence: frameshift variant. On other transcripts: 3 prime UTR variant (1), non-coding transcript variant (2).
Genome position (GRCh38, 1-based): chr10:71,362,225, C deleted; the last of 5 consecutive C bases (chr10:71,362,221-71,362,225); deleting any one gives the same sequence. VCF-style (leftmost placement, unchanged base first): chr10-71362220-TC-T. GRCh37 (hg19) VCF-style: chr10-73121977-TC-T.
Other names: c.*274del (NM_001174098.2); c.811del, p.Leu271fs (NM_001363518.2); short protein forms L349fs, L271fs.
Identifiers: ClinVar variation 566 (VCV000000566.47), dbSNP rs869025176, ClinGen allele CA351488.
Genomic context (GRCh38, chr10:71,362,220, plus strand): 5'-GCACCAACATCGAGTCCCTCAACAAGGGTTCGGGCTCACTGTGGACCACCAAGTTTTTCA[TC>T]CCCCTCACTACCTTCCTCCTGTACAACTTTGCTGACCTATGTGGCCGGCAGCTCACCGCC-3'